The following is an entry in ClinVar:

ClinVar aggregate classification (germline): Uncertain significance (1 of 4 stars; one submission).

Conditions:
Aniridia 1 (AN1). Identifiers: Orphanet 250923, MedGen C0344542, MONDO:0024507, OMIM 106210.
Irido-corneo-trabecular dysgenesis (ASGD5). Also called: ANTERIOR SEGMENT DYSGENESIS 5. Identifiers: Orphanet 708, MedGen C0344559, MONDO:0011414, OMIM 604229, HP:0000659.

Submission:

Labcorp Genetics (formerly Invitae), Labcorp
Classification: Uncertain significance for Aniridia 1; Irido-corneo-trabecular dysgenesis. Last evaluated: 2025-11-17. Review status: criteria provided, single submitter. Criteria: Invitae Variant Classification Sherloc (09022015). Collection method: clinical testing. Allele origin: germline.
Comment: This sequence change replaces glycine, which is neutral and non-polar, with alanine, which is neutral and non-polar, at codon 170 of the PAX6 protein (p.Gly170Ala). This variant is not present in population databases (gnomAD no frequency). This variant has not been reported in the literature in individuals affected with PAX6-related conditions. Invitae Evidence Modeling of protein sequence and biophysical properties (such as structural, functional, and spatial information, amino acid conservation, physicochemical variation, residue mobility, and thermodynamic stability) indicates that this missense variant is not expected to disrupt PAX6 protein function with a negative predictive value of 95%. In summary, the available evidence is currently insufficient to determine the role of this variant in disease. Therefore, it has been classified as a Variant of Uncertain Significance.

NM_001368894.2(PAX6):c.551G>C (p.Gly184Ala)

Gene: PAX6 (paired box 6; minus strand). Cytogenetic location: 11p13.
Variant type: single nucleotide variant.
Coding change: c.551G>C on transcript NM_001368894.2 (MANE Select); coding-DNA position 551, G replaced by C.
Protein change: p.Gly184Ala; replaces glycine 184 with alanine.
Molecular consequence: missense variant. On other transcripts: non-coding transcript variant (2).
Genome position (GRCh38, 1-based): chr11:31,800,705, C>G on the plus strand (G>C on the coding strand, the complement: PAX6 is on the minus strand). VCF-style: chr11-31800705-C-G. GRCh37 (hg19) VCF-style: chr11-31822253-C-G.
Other names: c.101G>C, p.Gly34Ala (NM_001310160.2, NM_001310161.3, NM_001368899.2 and 11 more transcripts); c.509G>C, p.Gly170Ala (NM_001368889.2, NM_001368890.2, NM_001368891.2 and 10 more transcripts); c.551G>C, p.Gly184Ala (NM_001368892.2, NM_001368893.2, NM_001258462.3 and 6 more transcripts); c.752G>C, p.Gly251Ala (NM_001368910.2); c.554G>C, p.Gly185Ala (NM_001368911.2); c.626G>C, p.Gly209Ala (NM_001368918.2, NM_001368919.2); c.584G>C, p.Gly195Ala (NM_001368920.2); c.350G>C, p.Gly117Ala (NM_001368921.2, NM_001368922.2, NM_001368923.2 and 4 more transcripts); and 1 more; short protein forms G103A, G185A, G195A, G251A, G34A, G117A, G209A, G170A.
Identifiers: ClinVar variation 4789402 (VCV004789402.1).